The following is an entry in ClinVar:

ClinVar aggregate classification (germline): Uncertain significance (1 of 4 stars; one submission).

Conditions:
Charcot-Marie-Tooth disease type 4. Also called: Charcot-Marie-Tooth, Type 4; Charcot-Marie-Tooth disease, type IV. Identifiers: Orphanet 64749, MedGen C4082197, MONDO:0018995.

Allele frequency attached by ClinVar (database versions not stated): gnomAD exomes 0.00001 and 0.00004; TOPMed 0.00008; gnomAD 0.00009 and 0.00010.
gnomAD v4.1: 26 of 1,612,728 alleles (0.0016%); highest among the groups gnomAD compares: Admixed American, 0.04%; no homozygotes.

Submission:

Labcorp Genetics (formerly Invitae), Labcorp
Classification: Uncertain significance for Charcot-Marie-Tooth disease type 4. Last evaluated: 2022-06-20. Review status: criteria provided, single submitter. Criteria: Invitae Variant Classification Sherloc (09022015). Collection method: clinical testing. Allele origin: germline.
Comment: This variant is present in population databases (no rsID available, gnomAD 0.03%). This sequence change replaces isoleucine, which is neutral and non-polar, with valine, which is neutral and non-polar, at codon 540 of the FGD4 protein (p.Ile540Val). This variant has not been reported in the literature in individuals affected with FGD4-related conditions. Algorithms developed to predict the effect of missense changes on protein structure and function (SIFT, PolyPhen-2, Align-GVGD) all suggest that this variant is likely to be tolerated. In summary, the available evidence is currently insufficient to determine the role of this variant in disease. Therefore, it has been classified as a Variant of Uncertain Significance.

NM_001370298.3(FGD4):c.2029A>G (p.Ile677Val)

Gene: FGD4 (FYVE, RhoGEF and PH domain containing 4; plus strand). Cytogenetic location: 12p11.21.
Variant type: single nucleotide variant.
Coding change: c.2029A>G on transcript NM_001370298.3 (MANE Select); coding-DNA position 2029, A replaced by G.
Protein change: p.Ile677Val; replaces isoleucine 677 with valine.
Molecular consequence: missense variant.
Genome position (GRCh38, 1-based): chr12:32,625,051, A>G. VCF-style: chr12-32625051-A-G. GRCh37 (hg19) VCF-style: chr12-32777985-A-G.
Other names: c.1873A>G, p.Ile625Val (NM_001304481.2); c.874A>G, p.Ile292Val (NM_001304483.2); c.586A>G, p.Ile196Val (NM_001304484.2); c.1339A>G, p.Ile447Val (NM_001330373.2, NM_001330374.2, NM_001384130.1); c.1066A>G, p.Ile356Val (NM_001370297.1); c.2029A>G, p.Ile677Val (NM_001384126.1); c.1618A>G, p.Ile540Val (NM_001384127.1, NM_001384128.1, NM_001385118.1 and 1 more transcripts); short protein forms I292V, I540V, I677V, I196V, I625V, I356V, I447V.
Identifiers: ClinVar variation 1485653 (VCV001485653.8), dbSNP rs1230547567, ClinGen allele CA384367080.